The following is an entry in ClinVar:

ClinVar aggregate classification (germline): Uncertain significance (1 of 4 stars; one submission).

Conditions:
Epilepsy, X-linked 1, with variable learning disabilities and behavior disorders. Also called: X-linked epilepsy-learning disabilities-behavior disorders syndrome. Identifiers: Orphanet 85294, MedGen C5774177, MONDO:0010339, OMIM 300491.

Submission:

Labcorp Genetics (formerly Invitae), Labcorp
Classification: Uncertain significance for Epilepsy, X-linked 1, with variable learning disabilities and behavior disorders. Last evaluated: 2023-02-04. Review status: criteria provided, single submitter. Criteria: Invitae Variant Classification Sherloc (09022015). Collection method: clinical testing. Allele origin: germline.
Comment: This variant is not present in population databases (gnomAD no frequency). This variant has not been reported in the literature in individuals affected with SYN1-related conditions. Algorithms developed to predict the effect of missense changes on protein structure and function output the following: SIFT: "Tolerated"; PolyPhen-2: "Not Available"; Align-GVGD: "Class C0". The glutamine amino acid residue is found in multiple mammalian species, which suggests that this missense change does not adversely affect protein function. In summary, the available evidence is currently insufficient to determine the role of this variant in disease. Therefore, it has been classified as a Variant of Uncertain Significance. This sequence change replaces proline, which is neutral and non-polar, with glutamine, which is neutral and polar, at codon 572 of the SYN1 protein (p.Pro572Gln).

NM_006950.3(SYN1):c.1715C>A (p.Pro572Gln)

Gene: SYN1 (synapsin I; minus strand). Cytogenetic location: Xp11.3.
Variant type: single nucleotide variant.
Coding change: c.1715C>A on transcript NM_006950.3 (MANE Select); coding-DNA position 1715, C replaced by A.
Protein change: p.Pro572Gln; replaces proline 572 with glutamine.
Molecular consequence: missense variant.
Genome position (GRCh38, 1-based): chrX:47,574,269, G>T on the plus strand (C>A on the coding strand, the complement: SYN1 is on the minus strand). VCF-style: chrX-47574269-G-T. GRCh37 (hg19) VCF-style: chrX-47433668-G-T.
Other names: c.1715C>A, p.Pro572Gln (NM_133499.2); short protein forms P572Q.
Identifiers: ClinVar variation 2919071 (VCV002919071.3), dbSNP rs1327374643, ClinGen allele CA412822805.
Genomic context (GRCh38, chrX:47,574,269, plus strand): 5'-TGGGGCGGGCCCTGGCGCTGCTGCCCGCCCGGTGGGGCCCCAGAGGCCTTTGGCGGAGCC[G>T]GGCCAGAGACGGATGTCTGACGGGTAGCCTGTGGGGGGCCCGCCTGGCGCTGGGGAGACG-3'
Protein context (NP_008881.2, residues 562-582): QATRQTSVSG[Pro572Gln]APPKASGAPP